The following is an entry in ClinVar:

NM_000548.5(TSC2):c.2778C>T (p.Asp926=)

Gene: TSC2 (TSC complex subunit 2; plus strand). Cytogenetic location: 16p13.3.
Variant type: single nucleotide variant.
Coding change: c.2778C>T on transcript NM_000548.5 (MANE Select); coding-DNA position 2778, C replaced by T.
Protein change: p.Asp926=; no amino-acid change (aspartic acid 926 retained).
Molecular consequence: synonymous variant.
Genome position (GRCh38, 1-based): chr16:2,076,526, C>T. VCF-style: chr16-2076526-C-T. GRCh37 (hg19) VCF-style: chr16-2126527-C-T.
Other names: c.2778C>T, p.Asp926= (NM_001077183.3, NM_001114382.3, NM_001363528.2 and 3 more transcripts); c.2667C>T, p.Asp889= (NM_001318827.2); c.2631C>T, p.Asp877= (NM_001318829.2); c.2178C>T, p.Asp726= (NM_001318831.2); c.2811C>T, p.Asp937= (NM_001318832.2).
Identifiers: ClinVar variation 389861 (VCV000389861.21), dbSNP rs776069297, ClinGen allele CA041923.
Genomic context (GRCh38, chr16:2,076,526, plus strand): 5'-TGTCTGGGTGTGCTCACTCTGCCAGGGCCTGCGGTCCAATGTCCTCTTGTCTTTTGATGA[C>T]ACCCCCGAGAAGGACAGCTTCAGGGCCCGGAGTACTAGTCTCAACGAGAGACCCAAGAGG-3'
Protein context (NP_000539.2, residues 916-936): LRSNVLLSFD[Asp926=]TPEKDSFRAR

ClinVar aggregate classification (germline): Benign/Likely benign. Review status: criteria provided, multiple submitters, no conflicts (2 of 4 stars). 7 submissions from 7 submitters: Benign (3); Likely benign (4). Last evaluated 2025-11-25.

Conditions:
Lymphangiomyomatosis (LAM). Also called: Lymphangioleiomyomatosis, somatic; Lymphangioleiomyomatosis. Identifiers: Orphanet 538, MedGen C0751674, MONDO:0011705, OMIM 606690.
Tuberous sclerosis 2 (TSC2). Identifiers: Orphanet 805, MedGen C1860707, MONDO:0013199, OMIM 613254.
Isolated focal cortical dysplasia type II (FCORD2). Also called: CORTICAL DYSPLASIA OF TAYLOR; Focal cortical dysplasia type II. Identifiers: Orphanet 268994, MedGen C1846385, MONDO:0011818, OMIM 607341, HP:0032051.
Hereditary cancer-predisposing syndrome. Also called: Neoplastic Syndromes, Hereditary; Hereditary neoplastic syndrome; Tumor predisposition; Hereditary Cancer Syndrome. Identifiers: Orphanet 140162, MedGen C0027672, MeSH D009386, MONDO:0015356.

Allele frequency attached by ClinVar (database versions not stated): gnomAD 0.00001; gnomAD exomes 0.00001 and 0.00002; ExAC 0.00002; TOPMed 0.00002.
gnomAD v4.1: 12 of 1,613,456 alleles (0.00074%); highest among the groups gnomAD compares: South Asian, 0.0077%; no homozygotes.

Submissions (7):

Labcorp Genetics (formerly Invitae), Labcorp
Classification: Benign for Tuberous sclerosis 2. Last evaluated: 2025-11-25. Review status: criteria provided, single submitter. Criteria: Invitae Variant Classification Sherloc (09022015). Collection method: clinical testing. Allele origin: germline.

Myriad Genetics, Inc.
Classification: Benign for Tuberous sclerosis 2. Last evaluated: 2025-05-22. Review status: criteria provided, single submitter. Criteria: Myriad Autosomal Dominant, Autosomal Recessive and X-Linked Classification Criteria (2023). Collection method: clinical testing. Allele origin: unknown.
Comment: This variant is considered benign. This variant is a silent/synonymous amino acid change and it is not expected to impact splicing.

Genome-Nilou Lab
Classification: Benign for Tuberous sclerosis 2. Last evaluated: 2021-11-07. Review status: criteria provided, single submitter. Criteria: ACMG Guidelines, 2015. Collection method: clinical testing. Allele origin: germline. Affected: no.

Fulgent Genetics
Classification: Likely benign for Lymphangiomyomatosis; Isolated focal cortical dysplasia type II; Tuberous sclerosis 2. Last evaluated: 2021-10-19. Review status: criteria provided, single submitter. Criteria: ACMG Guidelines, 2015. Collection method: clinical testing. Allele origin: unknown.

Sema4
Classification: Likely benign for Hereditary cancer-predisposing syndrome. Last evaluated: 2021-06-03. Review status: criteria provided, single submitter. Criteria: Sema4 Curation Guidelines. Collection method: curation. Allele origin: germline.

Ambry Genetics
Classification: Likely benign for Hereditary cancer-predisposing syndrome. Last evaluated: 2019-03-31. Review status: criteria provided, single submitter. Criteria: Ambry Variant Classification Scheme 2023. Collection method: clinical testing. Allele origin: germline.

GeneDx
Classification: Likely benign. Last evaluated: 2016-10-10. Review status: criteria provided, single submitter. Criteria: GeneDx Variant Classification (06012015). Collection method: clinical testing. Allele origin: germline. Affected: yes.
Comment: This variant is considered likely benign or benign based on one or more of the following criteria: it is a conservative change, it occurs at a poorly conserved position in the protein, it is predicted to be benign by multiple in silico algorithms, and/or has population frequency not consistent with disease.